The following is an entry in ClinVar:

ClinVar aggregate classification (germline): Uncertain significance (1 of 4 stars; one submission).

Conditions:
Baller-Gerold syndrome (BGS). Also called: CRANIOSYNOSTOSIS WITH RADIAL DEFECTS. Identifiers: Orphanet 1225, MedGen C0265308, MONDO:0009039, OMIM 218600.

Allele frequency attached by ClinVar (database versions not stated): gnomAD exomes below 0.00001; ExAC 0.00001; TOPMed 0.00001.
gnomAD v4.1: 4 of 1,612,566 alleles (0.00025%); highest among the groups gnomAD compares: Non-Finnish European, 0.00025%; no homozygotes.

Submission:

Labcorp Genetics (formerly Invitae), Labcorp
Classification: Uncertain significance for Baller-Gerold syndrome. Last evaluated: 2023-05-19. Review status: criteria provided, single submitter. Criteria: Invitae Variant Classification Sherloc (09022015). Collection method: clinical testing. Allele origin: germline.
Comment: In summary, the available evidence is currently insufficient to determine the role of this variant in disease. Therefore, it has been classified as a Variant of Uncertain Significance. Advanced modeling of protein sequence and biophysical properties (such as structural, functional, and spatial information, amino acid conservation, physicochemical variation, residue mobility, and thermodynamic stability) performed at Invitae indicates that this missense variant is not expected to disrupt RECQL4 protein function. ClinVar contains an entry for this variant (Variation ID: 1022435). This variant has not been reported in the literature in individuals affected with RECQL4-related conditions. This variant is present in population databases (rs772924895, gnomAD 0.0009%). This sequence change replaces asparagine, which is neutral and polar, with aspartic acid, which is acidic and polar, at codon 357 of the RECQL4 protein (p.Asn357Asp).

NM_004260.4(RECQL4):c.1069A>G (p.Asn357Asp)

Gene: RECQL4 (RecQ like helicase 4; minus strand). Cytogenetic location: 8q24.3.
Variant type: single nucleotide variant.
Coding change: c.1069A>G on transcript NM_004260.4 (MANE Select); coding-DNA position 1069, A replaced by G.
Protein change: p.Asn357Asp; replaces asparagine 357 with aspartic acid.
Molecular consequence: missense variant.
Genome position (GRCh38, 1-based): chr8:144,516,050, T>C on the plus strand (A>G on the coding strand, the complement: RECQL4 is on the minus strand). VCF-style: chr8-144516050-T-C. GRCh37 (hg19) VCF-style: chr8-145741434-T-C.
Other names: short protein forms N357D.
Identifiers: ClinVar variation 1022435 (VCV001022435.5), dbSNP rs772924895, ClinGen allele CA4949085.